The following is an entry in ClinVar:

NM_017934.7(PHIP):c.3366T>A (p.Leu1122=)

Genes: IRAK1BP1 (interleukin 1 receptor associated kinase 1 binding protein 1; plus strand), PHIP (PHIP subunit of CUL4-Ring ligase complex; minus strand). Cytogenetic location: 6q14.1.
Variant type: single nucleotide variant.
Coding change: c.3366T>A on transcript NM_017934.7 (MANE Select); coding-DNA position 3366, T replaced by A.
Protein change: p.Leu1122=; no amino-acid change (leucine 1122 retained).
Molecular consequence: synonymous variant.
Genome position (GRCh38, 1-based): chr6:78,965,716, A>T on the plus strand (T>A on the coding strand, the complement: PHIP is on the minus strand). VCF-style: chr6-78965716-A-T. GRCh37 (hg19) VCF-style: chr6-79675433-A-T.
Identifiers: ClinVar variation 4085946 (VCV004085946.8).

ClinVar aggregate classification (germline): Likely benign (1 of 4 stars; one submission).

Submission:

CeGaT Center for Human Genetics Tuebingen
Classification: Likely benign. Last evaluated: 2025-08-01. Review status: criteria provided, single submitter. Criteria: CeGaT Center For Human Genetics Tuebingen Variant Classification Criteria Version 2. Collection method: clinical testing. Allele origin: germline. Affected: yes. Observed: 1 variant allele.
Comment: PHIP: PM2:Supporting, BP4, BP7